The following is an entry in ClinVar:

NM_005732.4(RAD50):c.2934_2935del (p.Glu979fs)

Gene: RAD50 (RAD50 double strand break repair protein; plus strand). Cytogenetic location: 5q31.1.
Variant type: Deletion.
Coding change: c.2934_2935del on transcript NM_005732.4 (MANE Select); coding-DNA positions 2934 to 2935, 2 bases deleted (TG; older notation c.2934_2935delTG).
Protein change: p.Glu979fs; shifts the reading frame from glutamic acid 979.
Molecular consequence: frameshift variant.
Genome position (GRCh38, 1-based): chr5:132,609,294-132,609,295, TG deleted. VCF-style (leftmost placement, unchanged base first): chr5-132609293-CTG-C. GRCh37 (hg19) VCF-style: chr5-131944985-CTG-C.
Other names: c.2934_2935del (NM_005732.3); short protein forms E979fs.
Identifiers: ClinVar variation 572327 (VCV000572327.15), dbSNP rs768522804, ClinGen allele CA3405492.

ClinVar aggregate classification (germline): Pathogenic/Likely pathogenic. Review status: criteria provided, multiple submitters, no conflicts (2 of 4 stars). 3 submissions from 3 submitters: Pathogenic (2); Likely pathogenic (1). Last evaluated 2023-10-13.

Conditions:
Hereditary breast ovarian cancer syndrome. Also called: BRCA1- and BRCA2-Associated Hereditary Breast and Ovarian Cancer; Hereditary breast and ovarian cancer; Hereditary breast and/or ovarian cancer syndrome; Hereditary breast and ovarian cancer syndrome; Hereditary breast and ovarian cancer syndrome (HBOC); Breast and ovarian cancer. Identifiers: Orphanet 145, MedGen C0677776, MeSH D061325, MONDO:0003582. Disease mechanism: loss of function.
Hereditary cancer-predisposing syndrome. Also called: Neoplastic Syndromes, Hereditary; Hereditary Cancer Syndrome; Tumor predisposition; Hereditary neoplastic syndrome. Identifiers: Orphanet 140162, MedGen C0027672, MeSH D009386, MONDO:0015356.

Allele frequency attached by ClinVar (database versions not stated): gnomAD exomes 0.00001; ExAC 0.00002.

Submissions (3):

Labcorp Genetics (formerly Invitae), Labcorp
Classification: Pathogenic for Hereditary cancer-predisposing syndrome. Last evaluated: 2023-10-13. Review status: criteria provided, single submitter. Criteria: Invitae Variant Classification Sherloc (09022015). Collection method: clinical testing. Allele origin: germline.
Comment: This sequence change creates a premature translational stop signal (p.Glu979Thrfs*2) in the RAD50 gene. It is expected to result in an absent or disrupted protein product. Loss-of-function variants in RAD50 are known to be pathogenic (PMID: 19409520). This variant is present in population databases (rs768522804, gnomAD 0.007%). This variant has not been reported in the literature in individuals affected with RAD50-related conditions. ClinVar contains an entry for this variant (Variation ID: 572327). For these reasons, this variant has been classified as Pathogenic.

Ambry Genetics
Classification: Pathogenic for Hereditary cancer-predisposing syndrome. Last evaluated: 2021-08-04. Review status: criteria provided, single submitter. Criteria: Ambry Variant Classification Scheme 2023. Collection method: clinical testing. Allele origin: germline.
Comment: The c.2934_2935delTG pathogenic mutation, located in coding exon 19 of the RAD50 gene, results from a deletion of two nucleotides at nucleotide positions 2934 to 2935, causing a translational frameshift with a predicted alternate stop codon (p.E979Tfs*2). This alteration is expected to result in loss of function by premature protein truncation or nonsense-mediated mRNA decay. As such, this alteration is interpreted as a disease-causing mutation.

Women's Health and Genetics/Laboratory Corporation of America, LabCorp
Classification: Likely pathogenic for Hereditary breast and ovarian cancer syndrome. Last evaluated: 2020-01-17. Review status: criteria provided, single submitter. Criteria: LabCorp Variant Classification Summary - May 2015. Collection method: clinical testing. Allele origin: germline.
Comment: Variant summary: RAD50 c.2934_2935delTG (p.Glu979ThrfsX2) results in a premature termination codon, predicted to cause a truncation of the encoded protein or absence of the protein due to nonsense mediated decay, which are commonly known mechanisms for disease. Truncations downstream of this position have been reported (HGMD database). The variant allele was found at a frequency of 8e-06 in 249448 control chromosomes. To our knowledge, no occurrence of c.2934_2935delTG in individuals affected with Hereditary Breast and Ovarian Cancer and no experimental evidence demonstrating its impact on protein function have been reported. One clinical diagnostic laboratory has submitted clinical-significance assessments for this variant to ClinVar after 2014 without evidence for independent evaluation and classified the variant as pathogenic. Based on the evidence outlined above, the variant was classified as likely pathogenic.

Literature cited by the submitters: PubMed 19409520 (cited by Labcorp Genetics (formerly Invitae), Labcorp).